The following is an entry in ClinVar:

NM_000051.4(ATM):c.2734C>G (p.Gln912Glu)

Gene: ATM (ATM serine/threonine kinase; plus strand). Cytogenetic location: 11q22.3.
Variant type: single nucleotide variant.
Coding change: c.2734C>G on transcript NM_000051.4 (MANE Select); coding-DNA position 2734, C replaced by G.
Protein change: p.Gln912Glu; replaces glutamine 912 with glutamic acid.
Molecular consequence: missense variant.
Genome position (GRCh38, 1-based): chr11:108,268,505, C>G. VCF-style: chr11-108268505-C-G. GRCh37 (hg19) VCF-style: chr11-108139232-C-G.
Other names: c.2734C>G, p.Gln912Glu (NM_001351834.2); short protein forms Q912E.
Identifiers: ClinVar variation 845144 (VCV000845144.9), dbSNP rs764409952, ClinGen allele CA6265103.
Genomic context (GRCh38, chr11:108,268,505, plus strand): 5'-AAGCAAGATCTACTTTTCTTAGACATGCTCAAGTTCTTGTGTTTGTGTGTAACTACTGCT[C>G]AGACCAATACTGTGTCCTTTAGGGCAGCTGATATTCGGAGGAAATTGTTAATGTTAATTG-3'
Protein context (NP_000042.3, residues 902-922): KFLCLCVTTA[Gln912Glu]TNTVSFRAAD

ClinVar aggregate classification (germline): Uncertain significance. Review status: criteria provided, multiple submitters, no conflicts (2 of 4 stars). 3 submissions from 3 submitters: Uncertain significance (3). Last evaluated 2025-03-05.

Conditions:
Hereditary cancer-predisposing syndrome. Also called: Neoplastic Syndromes, Hereditary; Hereditary neoplastic syndrome; Tumor predisposition; Hereditary Cancer Syndrome. Identifiers: Orphanet 140162, MedGen C0027672, MeSH D009386, MONDO:0015356.
Ataxia-telangiectasia syndrome (AT). Also called: Ataxia-telangiectasia, complementation group D; AT, COMPLEMENTATION GROUP C; Ataxia telangiectasia (A-T); Cerebello-oculocutaneous telangiectasia; Immunodeficiency with ataxia telangiectasia; Ataxia-telangiectasia. Identifiers: Orphanet 100, MedGen C0004135, MONDO:0008840, OMIM 208900.

Submissions (3):

Labcorp Genetics (formerly Invitae), Labcorp
Classification: Uncertain significance for Ataxia-telangiectasia syndrome. Last evaluated: 2025-03-05. Review status: criteria provided, single submitter. Criteria: Invitae Variant Classification Sherloc (09022015). Collection method: clinical testing. Allele origin: germline.
Comment: This sequence change replaces glutamine, which is neutral and polar, with glutamic acid, which is acidic and polar, at codon 912 of the ATM protein (p.Gln912Glu). This variant is present in population databases (rs764409952, gnomAD 0.006%). This variant has not been reported in the literature in individuals affected with ATM-related conditions. ClinVar contains an entry for this variant (Variation ID: 845144). Invitae Evidence Modeling of protein sequence and biophysical properties (such as structural, functional, and spatial information, amino acid conservation, physicochemical variation, residue mobility, and thermodynamic stability) indicates that this missense variant is not expected to disrupt ATM protein function with a negative predictive value of 95%. In summary, the available evidence is currently insufficient to determine the role of this variant in disease. Therefore, it has been classified as a Variant of Uncertain Significance.

Women's Health and Genetics/Laboratory Corporation of America, LabCorp
Classification: Uncertain significance. Last evaluated: 2024-06-10. Review status: criteria provided, single submitter. Criteria: LabCorp Variant Classification Summary - May 2015. Collection method: clinical testing. Allele origin: germline.
Comment: Variant summary: ATM c.2734C>G (p.Gln912Glu) results in a conservative amino acid change in the encoded protein sequence. Five of five in-silico tools predict a benign effect of the variant on protein function. The variant allele was found at a frequency of 4e-06 in 251410 control chromosomes (gnomAD). The available data on variant occurrences in the general population are insufficient to allow any conclusion about variant significance. To our knowledge, no occurrence of c.2734C>G in individuals affected with Ataxia-Telangiectasia and no experimental evidence demonstrating its impact on protein function have been reported. ClinVar contains an entry for this variant (Variation ID: 845144). Based on the evidence outlined above, the variant was classified as uncertain significance.

Ambry Genetics
Classification: Uncertain significance for Hereditary cancer-predisposing syndrome. Last evaluated: 2024-01-21. Review status: criteria provided, single submitter. Criteria: Ambry Variant Classification Scheme 2023. Collection method: clinical testing. Allele origin: germline.
Comment: The p.Q912E variant (also known as c.2734C>G), located in coding exon 17 of the ATM gene, results from a C to G substitution at nucleotide position 2734. The glutamine at codon 912 is replaced by glutamic acid, an amino acid with highly similar properties. This amino acid position is well conserved in available vertebrate species. In addition, this alteration is predicted to be tolerated by in silico analysis. Since supporting evidence is limited at this time, the clinical significance of this alteration remains unclear.

Literature cited by the submitters: PubMed 30833958 (cited by Ambry Genetics).